The following is an entry in ClinVar:

NM_001385641.1(SAMD11):c.739C>T (p.Arg247Trp)

Gene: SAMD11 (sterile alpha motif domain containing 11; plus strand). Cytogenetic location: 1p36.33.
Variant type: single nucleotide variant.
Coding change: c.739C>T on transcript NM_001385641.1 (MANE Select); coding-DNA position 739, C replaced by T.
Protein change: p.Arg247Trp; replaces arginine 247 with tryptophan.
Molecular consequence: missense variant.
Genome position (GRCh38, 1-based): chr1:930,284, C>T. VCF-style: chr1-930284-C-T. GRCh37 (hg19) VCF-style: chr1-865664-C-T.
Other names: c.739C>T, p.Arg247Trp (NM_001385640.1); c.202C>T, p.Arg68Trp (NM_152486.4); short protein forms R247W, R68W.
Identifiers: ClinVar variation 1435698 (VCV001435698.6), dbSNP rs199655347, ClinGen allele CA502448.

ClinVar aggregate classification (germline): Uncertain significance (1 of 4 stars; one submission).

Allele frequency attached by ClinVar (database versions not stated): gnomAD 0.00001 and 0.00003; TOPMed 0.00004; gnomAD exomes 0.00006; ESP Exome Variant Server 0.00008; ExAC 0.00013; 1000 Genomes Project 30x 0.00016; 1000 Genomes Project 0.00020.

Submission:

Labcorp Genetics (formerly Invitae), Labcorp
Classification: Uncertain significance. Last evaluated: 2025-01-12. Review status: criteria provided, single submitter. Criteria: Invitae Variant Classification Sherloc (09022015). Collection method: clinical testing. Allele origin: germline.
Comment: This sequence change replaces arginine, which is basic and polar, with tryptophan, which is neutral and slightly polar, at codon 68 of the SAMD11 protein (p.Arg68Trp). This variant is present in population databases (rs199655347, gnomAD 0.04%). This variant has not been reported in the literature in individuals affected with SAMD11-related conditions. ClinVar contains an entry for this variant (Variation ID: 1435698). An algorithm developed to predict the effect of missense changes on protein structure and function outputs the following: PolyPhen-2: "Benign". The tryptophan amino acid residue is found in multiple mammalian species, which suggests that this missense change does not adversely affect protein function. In summary, the available evidence is currently insufficient to determine the role of this variant in disease. Therefore, it has been classified as a Variant of Uncertain Significance.